The following is an entry in ClinVar:

NM_000891.3(KCNJ2):c.650T>G (p.Leu217Arg)

Gene: KCNJ2 (potassium inwardly rectifying channel subfamily J member 2; plus strand). Cytogenetic location: 17q24.3.
Variant type: single nucleotide variant.
Coding change: c.650T>G on transcript NM_000891.3 (MANE Select); coding-DNA position 650, T replaced by G.
Protein change: p.Leu217Arg; replaces leucine 217 with arginine.
Molecular consequence: missense variant.
Genome position (GRCh38, 1-based): chr17:70,175,689, T>G. VCF-style: chr17-70175689-T-G. GRCh37 (hg19) VCF-style: chr17-68171830-T-G.
Other names: NM_000891.3:c.650T>G; short protein forms L217R.
Identifiers: ClinVar variation 4819580 (VCV004819580.1).

ClinVar aggregate classification (germline): Uncertain significance (1 of 4 stars; one submission).

Conditions:
Andersen Tawil syndrome (LQT7). Also called: ANDERSEN CARDIODYSRHYTHMIC PERIODIC PARALYSIS; LONG QT SYNDROME 7; PERIODIC PARALYSIS, POTASSIUM-SENSITIVE CARDIODYSRHYTHMIC TYPE; Andersen Syndrome; Potassium-sensitive periodic paralysis, ventricular ectopy, and dysmorphic features. Identifiers: Orphanet 37553, MedGen C1563715, MONDO:0008222, OMIM 170390.

Submission:

Broad Center for Mendelian Genomics, Broad Institute of MIT and Harvard
Classification: Uncertain significance for Andersen Tawil syndrome. Last evaluated: 2026-03-05. Review status: criteria provided, single submitter. Criteria: ACMG Guidelines, 2015. Collection method: research. Allele origin: germline. Inheritance: Autosomal dominant inheritance. Study: GREGoR Consortium.
Comment: The p.Leu217Arg variant in KCNJ2 has been identified as a de novo occurrence in an individual with lower extremity weakness, proximal more than distal weakness, elevated CK, and progressive myopathy by the Broad Institute Rare Genomes Project. It was absent from large population studies. Computational prediction tools and conservation analyses suggest that this variant may impact the protein, though this information is not predictive enough to determine pathogenicity. A different variant at the same position (p.Leu217Pro) has been identified in an individual with Andersen-Tawil syndrome (Davies 2005 PMID: 16217063); however there is insufficient evidence to establish the pathogenicity of that variant. In summary, while there is some suspicion for a pathogenic role, the clinical significance of the p.Leu217Arg variant is uncertain. ACMG/AMP Criteria applied: PP3_moderate, PM2_supporting, PS2_supporting.